The following is an entry in ClinVar:

ClinVar aggregate classification (germline): Pathogenic (1 of 4 stars; one submission).

Submission:

Labcorp Genetics (formerly Invitae), Labcorp
Classification: Pathogenic. Last evaluated: 2024-05-15. Review status: criteria provided, single submitter. Criteria: Invitae Variant Classification Sherloc (09022015). Collection method: clinical testing. Allele origin: germline.
Comment: This sequence change creates a premature translational stop signal (p.Ala182Glnfs*3) in the MDH2 gene. It is expected to result in an absent or disrupted protein product. Loss-of-function variants in MDH2 are known to be pathogenic (PMID: 27989324). This variant is not present in population databases (gnomAD no frequency). This variant has not been reported in the literature in individuals affected with MDH2-related conditions. For these reasons, this variant has been classified as Pathogenic.

Literature cited by the submitters: PubMed 27989324.

NM_005918.4(MDH2):c.543del (p.Ala182fs)

Gene: MDH2 (malate dehydrogenase 2; plus strand). Cytogenetic location: 7q11.23.
Variant type: Deletion.
Coding change: c.543del on transcript NM_005918.4 (MANE Select); coding-DNA position 543, one base deleted (T; older notation c.543delT).
Protein change: p.Ala182fs; shifts the reading frame from alanine 182.
Molecular consequence: frameshift variant. On other transcripts: intron variant (1).
Genome position (GRCh38, 1-based): chr7:76,060,486, T deleted; the last of 2 consecutive T bases (chr7:76,060,485-76,060,486); deleting either gives the same sequence. VCF-style (leftmost placement, unchanged base first): chr7-76060484-GT-G. GRCh37 (hg19) VCF-style: chr7-75689802-GT-G.
Other names: c.222del, p.Ala75fs (NM_001282404.2); c.429+2408del (NM_001282403.2); short protein forms A182fs, A75fs.
Identifiers: ClinVar variation 2864443 (VCV002864443.3), dbSNP rs2535864023, ClinGen allele CA2739266490.
Genomic context (GRCh38, chr7:76,060,484, plus strand): 5'-TACAACCCCAACAAAATCTTCGGCGTGACGACCCTGGACATCGTCAGAGCCAACACCTTT[GT>G]TGCAGAGCTGAAGGTAAGGGCGGCGTGGGTGTTGCTCAGGTGACCTTTCTGAACTTCTCC-3'